The following is an entry in ClinVar:

NM_000059.4(BRCA2):c.503C>T (p.Pro168Leu)

Gene: BRCA2 (BRCA2 DNA repair associated; plus strand). Cytogenetic location: 13q13.1.
Variant type: single nucleotide variant.
Coding change: c.503C>T on transcript NM_000059.4 (MANE Select); coding-DNA position 503, C replaced by T.
Protein change: p.Pro168Leu; replaces proline 168 with leucine.
Molecular consequence: missense variant. On other transcripts: non-coding transcript variant (1).
Genome position (GRCh38, 1-based): chr13:32,326,269, C>T. VCF-style: chr13-32326269-C-T. GRCh37 (hg19) VCF-style: chr13-32900406-C-T.
Other names: c.503C>T, p.Pro168Leu (NM_001406719.1, NM_001406720.1, NM_001406721.1 and 1 more transcripts); c.134C>T, p.Pro45Leu (NM_001406722.1); short protein forms P168L, P45L.
Identifiers: ClinVar variation 4802261 (VCV004802261.1).

ClinVar aggregate classification (germline): Uncertain significance (1 of 4 stars; one submission).

Conditions:
Hereditary breast ovarian cancer syndrome. Also called: Hereditary breast and ovarian cancer syndrome (HBOC); Hereditary breast and ovarian cancer; Breast and ovarian cancer; Hereditary breast and/or ovarian cancer syndrome; BRCA1- and BRCA2-Associated Hereditary Breast and Ovarian Cancer; Hereditary breast and ovarian cancer syndrome. Identifiers: Orphanet 145, MedGen C0677776, MeSH D061325, MONDO:0003582. Disease mechanism: loss of function.

Submission:

Labcorp Genetics (formerly Invitae), Labcorp
Classification: Uncertain significance for Hereditary breast ovarian cancer syndrome. Last evaluated: 2025-11-05. Review status: criteria provided, single submitter. Criteria: Invitae Variant Classification Sherloc (09022015). Collection method: clinical testing. Allele origin: germline.
Comment: This sequence change replaces proline, which is neutral and non-polar, with leucine, which is neutral and non-polar, at codon 168 of the BRCA2 protein (p.Pro168Leu). This variant is not present in population databases (gnomAD no frequency). This variant has not been reported in the literature in individuals affected with BRCA2-related conditions. Invitae Evidence Modeling of protein sequence and biophysical properties (such as structural, functional, and spatial information, amino acid conservation, physicochemical variation, residue mobility, and thermodynamic stability) indicates that this missense variant is not expected to disrupt BRCA2 protein function with a negative predictive value of 95%. Algorithms developed to predict the effect of sequence changes on RNA splicing suggest that this variant may disrupt the consensus splice site. In summary, the available evidence is currently insufficient to determine the role of this variant in disease. Therefore, it has been classified as a Variant of Uncertain Significance.